The following is an entry in ClinVar:

ClinVar aggregate classification (germline): Likely pathogenic (1 of 4 stars; one submission).

Conditions:
Intellectual disability, autosomal dominant 16 (CSS4). Also called: COFFIN-SIRIS SYNDROME 4. Identifiers: Orphanet 1465, MedGen C3553249, MONDO:0013821, OMIM 614609.

Submission:

Molecular Diagnostics Laboratory, Seoul National University Hospital
Classification: Likely pathogenic for Intellectual disability, autosomal dominant 16. Last evaluated: 2022-05-01. Review status: criteria provided, single submitter. Criteria: ACMG Guidelines, 2015. Collection method: clinical testing. Allele origin: de novo. Affected: yes.

NM_003072.5(SMARCA4):c.2747A>G (p.Asn916Ser)

Gene: SMARCA4 (SWI/SNF related BAF chromatin remodeling complex subunit ATPase 4; plus strand). Cytogenetic location: 19p13.2.
Variant type: single nucleotide variant.
Coding change: c.2747A>G on transcript NM_003072.5 (MANE Select); coding-DNA position 2747, A replaced by G.
Protein change: p.Asn916Ser; replaces asparagine 916 with serine.
Molecular consequence: missense variant. On other transcripts: non-coding transcript variant (1).
Genome position (GRCh38, 1-based): chr19:11,021,855, A>G. VCF-style: chr19-11021855-A-G. GRCh37 (hg19) VCF-style: chr19-11132531-A-G.
Other names: c.2747A>G, p.Asn916Ser (NM_001128844.3, NM_001128845.2, NM_001128846.2 and 5 more transcripts); short protein forms N916S.
Identifiers: ClinVar variation 1698715 (VCV001698715.2), dbSNP rs2146419846, ClinGen allele CA404056310.